The following is an entry in ClinVar:

NM_198428.3(BBS9):c.2385_2396del (p.Ser797_Asn800del)

Gene: BBS9 (Bardet-Biedl syndrome 9; plus strand). Cytogenetic location: 7p14.3.
Variant type: Deletion.
Coding change: c.2385_2396del on transcript NM_198428.3 (MANE Select); coding-DNA positions 2385 to 2396, 12 bases deleted (CAACAGCCAGCT).
Protein change: p.Ser797_Asn800del.
Molecular consequence: inframe deletion. On other transcripts: inframe indel (2), non-coding transcript variant (3).
Genome position (GRCh38, 1-based): chr7:33,534,040-33,534,051, CAACAGCCAGCT deleted; deleting any 12 consecutive bases within chr7:33,534,038-33,534,051 gives the same sequence; the c. name uses the placement nearest the transcript's 3' end. VCF-style (leftmost placement, unchanged base first): chr7-33534037-CCTCAACAGCCAG-C. GRCh37 (hg19) VCF-style: chr7-33573649-CCTCAACAGCCAG-C.
Other names: c.2280_2291del, p.Ser762_Asn765del (NM_001033604.2); c.2370_2381del, p.Ser792_Asn795del (NM_001033605.2); c.2385_2396del, p.Ser797_Asn800del (NM_001348036.1, NM_001348041.4, NM_001348043.3 and 1 more transcripts); c.1836_1847del, p.Ser614_Asn617del (NM_001348037.3); c.2112_2123del, p.Ser706_Asn709del (NM_001348038.3); c.2007_2018del, p.Ser671_Asn674del (NM_001348039.3); c.2265_2276del, p.Ser757_Asn760del (NM_001348040.3, NM_014451.4); c.2250_2261del, p.Ser752_Asn755del (NM_001348042.3); and 3 more.
Identifiers: ClinVar variation 2105042 (VCV002105042.4), dbSNP rs2537670354, ClinGen allele CA2580077224.
Genomic context (GRCh38, chr7:33,534,037, plus strand): 5'-CGCCATTTCCCACCTGTTGAAGACTTGCCTGTCGAAGAGTTCTAAGGAGCAGGCTTTGAA[CCTCAACAGCCAG>C]CTGAACATACCCAAAGACACAAGCCAACTGAAGAAACATATCACCTTGCTCTGCGATAGA-3'

ClinVar aggregate classification (germline): Uncertain significance (1 of 4 stars; one submission).

Conditions:
Bardet-Biedl syndrome (BBS). Identifiers: Orphanet 110, MedGen C0752166, MONDO:0015229.

Submission:

Labcorp Genetics (formerly Invitae), Labcorp
Classification: Uncertain significance for Bardet-Biedl syndrome. Last evaluated: 2022-03-16. Review status: criteria provided, single submitter. Criteria: Invitae Variant Classification Sherloc (09022015). Collection method: clinical testing. Allele origin: germline.
Comment: This variant is not present in population databases (gnomAD no frequency). In summary, the available evidence is currently insufficient to determine the role of this variant in disease. Therefore, it has been classified as a Variant of Uncertain Significance. Experimental studies and prediction algorithms are not available or were not evaluated, and the functional significance of this variant is currently unknown. This variant has not been reported in the literature in individuals affected with BBS9-related conditions. This variant, c.2385_2396del, results in the deletion of 4 amino acid(s) of the BBS9 protein (p.Ser797_Asn800del), but otherwise preserves the integrity of the reading frame.